The following is an entry in ClinVar:

NM_000548.5(TSC2):c.1823G>A (p.Ser608Asn)

Gene: TSC2 (TSC complex subunit 2; plus strand). Cytogenetic location: 16p13.3.
Variant type: single nucleotide variant.
Coding change: c.1823G>A on transcript NM_000548.5 (MANE Select); coding-DNA position 1823, G replaced by A.
Protein change: p.Ser608Asn; replaces serine 608 with asparagine.
Molecular consequence: missense variant.
Genome position (GRCh38, 1-based): chr16:2,070,562, G>A. VCF-style: chr16-2070562-G-A. GRCh37 (hg19) VCF-style: chr16-2120563-G-A.
Other names: c.1823G>A (NM_000548.3); c.1823G>A, p.Ser608Asn (NM_001077183.3, NM_001114382.3, NM_001363528.2 and 3 more transcripts); c.1712G>A, p.Ser571Asn (NM_001318827.2); c.1676G>A, p.Ser559Asn (NM_001318829.2); c.1223G>A, p.Ser408Asn (NM_001318831.2); c.1856G>A, p.Ser619Asn (NM_001318832.2); short protein forms S559N, S608N, S571N, S619N, S408N.
Identifiers: ClinVar variation 1421086 (VCV001421086.9), dbSNP rs753235037, ClinGen allele CA394272989.

ClinVar aggregate classification (germline): Uncertain significance. Review status: criteria provided, multiple submitters, no conflicts (2 of 4 stars). 2 submissions from 2 submitters: Uncertain significance (2). Last evaluated 2024-03-12.

Conditions:
Tuberous sclerosis 2 (TSC2). Identifiers: Orphanet 805, MedGen C1860707, MONDO:0013199, OMIM 613254.

Submissions (2):

GeneDx
Classification: Uncertain significance. Last evaluated: 2024-03-12. Review status: criteria provided, single submitter. Criteria: GeneDx Variant Classification Process June 2021. Collection method: clinical testing. Allele origin: germline. Affected: yes.
Comment: Has not been previously published as pathogenic or benign to our knowledge; Not observed at significant frequency in large population cohorts (gnomAD); In silico analysis supports that this missense variant does not alter protein structure/function

Labcorp Genetics (formerly Invitae), Labcorp
Classification: Uncertain significance for Tuberous sclerosis 2. Last evaluated: 2023-04-07. Review status: criteria provided, single submitter. Criteria: Invitae Variant Classification Sherloc (09022015). Collection method: clinical testing. Allele origin: germline.
Comment: In summary, the available evidence is currently insufficient to determine the role of this variant in disease. Therefore, it has been classified as a Variant of Uncertain Significance. Advanced modeling of protein sequence and biophysical properties (such as structural, functional, and spatial information, amino acid conservation, physicochemical variation, residue mobility, and thermodynamic stability) performed at Invitae indicates that this missense variant is not expected to disrupt TSC2 protein function. ClinVar contains an entry for this variant (Variation ID: 1421086). This variant has not been reported in the literature in individuals affected with TSC2-related conditions. This variant is not present in population databases (gnomAD no frequency). This sequence change replaces serine, which is neutral and polar, with asparagine, which is neutral and polar, at codon 608 of the TSC2 protein (p.Ser608Asn).